The following is an entry in ClinVar:

NM_000059.4(BRCA2):c.7064A>T (p.Glu2355Val)

Gene: BRCA2 (BRCA2 DNA repair associated; plus strand). Cytogenetic location: 13q13.1.
Variant type: single nucleotide variant.
Coding change: c.7064A>T on transcript NM_000059.4 (MANE Select); coding-DNA position 7064, A replaced by T.
Protein change: p.Glu2355Val; replaces glutamic acid 2355 with valine.
Molecular consequence: missense variant. On other transcripts: non-coding transcript variant (1).
Genome position (GRCh38, 1-based): chr13:32,354,917, A>T. VCF-style: chr13-32354917-A-T. GRCh37 (hg19) VCF-style: chr13-32929054-A-T.
Other names: c.6968A>T, p.Glu2323Val (NM_001406719.1); c.7064A>T, p.Glu2355Val (NM_001406720.1); c.2132A>T, p.Glu711Val (NM_001406721.1); c.647A>T, p.Glu216Val (NM_001406722.1); short protein forms E216V, E2323V, E2355V, E711V.
Identifiers: ClinVar variation 3228175 (VCV003228175.1), dbSNP rs2072677238, ClinGen allele CA387738352.
Genomic context (GRCh38, chr13:32,354,917, plus strand): 5'-GCAGCACAACTAAGGAACGTCAAGAGATACAGAATCCAAATTTTACCGCACCTGGTCAAG[A>T]ATTTCTGTCTAAATCTCATTTGTATGAACATCTGACTTTGGAAAAATCTTCAAGCAATTT-3'
Protein context (NP_000050.3, residues 2345-2365): QNPNFTAPGQ[Glu2355Val]FLSKSHLYEH

ClinVar aggregate classification (germline): Uncertain significance (1 of 4 stars; one submission).

Conditions:
Hereditary cancer-predisposing syndrome. Also called: Neoplastic Syndromes, Hereditary; Tumor predisposition; Hereditary neoplastic syndrome; Hereditary Cancer Syndrome. Identifiers: Orphanet 140162, MedGen C0027672, MeSH D009386, MONDO:0015356.

Submission:

Ambry Genetics
Classification: Uncertain significance for Hereditary cancer-predisposing syndrome. Last evaluated: 2023-09-17. Review status: criteria provided, single submitter. Criteria: Ambry Variant Classification Scheme 2023. Collection method: clinical testing. Allele origin: germline.
Comment: The p.E2355V variant (also known as c.7064A>T), located in coding exon 13 of the BRCA2 gene, results from an A to T substitution at nucleotide position 7064. The glutamic acid at codon 2355 is replaced by valine, an amino acid with dissimilar properties. This amino acid position is conserved. In addition, the in silico prediction for this alteration is inconclusive. Since supporting evidence is limited at this time, the clinical significance of this alteration remains unclear.